The following is an entry in ClinVar:

ClinVar aggregate classification (germline): Conflicting classifications of pathogenicity. Review status: criteria provided, conflicting classifications (1 of 4 stars). 2 submissions from 2 submitters: Uncertain significance (1); Likely benign (1). Last evaluated 2025-07-30.

Conditions:
Hereditary cancer-predisposing syndrome. Also called: Hereditary neoplastic syndrome; Tumor predisposition; Neoplastic Syndromes, Hereditary; Hereditary Cancer Syndrome. Identifiers: Orphanet 140162, MedGen C0027672, MeSH D009386, MONDO:0015356.
DICER1-related tumor predisposition. Also called: DICER1 syndrome; DICER1-related pleuropulmonary blastoma cancer predisposition syndrome. Identifiers: Orphanet 284343, MedGen C3839822, MONDO:0100216.

Allele frequency attached by ClinVar (database versions not stated): TOPMed below 0.00001; gnomAD 0.00001.
gnomAD v4.1: 7 of 1,613,628 alleles (0.00043%); highest among the groups gnomAD compares: East Asian, 0.0022%; no homozygotes.

Submissions (2):

Labcorp Genetics (formerly Invitae), Labcorp
Classification: Uncertain significance for DICER1-related tumor predisposition. Last evaluated: 2025-07-30. Review status: criteria provided, single submitter. Criteria: Invitae Variant Classification Sherloc (09022015). Collection method: clinical testing. Allele origin: germline.
Comment: This sequence change replaces isoleucine, which is neutral and non-polar, with valine, which is neutral and non-polar, at codon 907 of the DICER1 protein (p.Ile907Val). This variant is present in population databases (no rsID available, gnomAD 0.005%). This variant has not been reported in the literature in individuals affected with DICER1-related conditions. ClinVar contains an entry for this variant (Variation ID: 861474). Invitae Evidence Modeling of protein sequence and biophysical properties (such as structural, functional, and spatial information, amino acid conservation, physicochemical variation, residue mobility, and thermodynamic stability) indicates that this missense variant is not expected to disrupt DICER1 protein function with a negative predictive value of 95%. RNA analysis performed to evaluate the impact of this missense change on mRNA splicing indicates it does not significantly alter splicing (internal data). In summary, the available evidence is currently insufficient to determine the role of this variant in disease. Therefore, it has been classified as a Variant of Uncertain Significance.

Ambry Genetics
Classification: Likely benign for Hereditary cancer-predisposing syndrome. Last evaluated: 2025-07-23. Review status: criteria provided, single submitter. Criteria: Ambry Variant Classification Scheme 2023. Collection method: clinical testing. Allele origin: germline.

NM_177438.3(DICER1):c.2719A>G (p.Ile907Val)

Gene: DICER1 (dicer 1, ribonuclease III; minus strand). Cytogenetic location: 14q32.13.
Variant type: single nucleotide variant.
Coding change: c.2719A>G on transcript NM_177438.3 (MANE Select); coding-DNA position 2719, A replaced by G.
Protein change: p.Ile907Val; replaces isoleucine 907 with valine.
Molecular consequence: missense variant.
Genome position (GRCh38, 1-based): chr14:95,107,693, T>C on the plus strand (A>G on the coding strand, the complement: DICER1 is on the minus strand). VCF-style: chr14-95107693-T-C. GRCh37 (hg19) VCF-style: chr14-95574030-T-C.
Other names: c.2719A>G, p.Ile907Val (NM_001195573.1, NM_001271282.3, NM_001291628.2 and 1 more transcripts); short protein forms I907V.
Identifiers: ClinVar variation 861474 (VCV000861474.12), dbSNP rs1178414622, ClinGen allele CA390879588.